The following is an entry in ClinVar:

NM_015602.4(TOR1AIP1):c.1191T>A (p.His397Gln)

Gene: TOR1AIP1 (torsin 1A interacting protein 1; plus strand). Cytogenetic location: 1q25.2.
Variant type: single nucleotide variant.
Coding change: c.1191T>A on transcript NM_015602.4 (MANE Select); coding-DNA position 1191, T replaced by A.
Protein change: p.His397Gln; replaces histidine 397 with glutamine.
Molecular consequence: missense variant.
Genome position (GRCh38, 1-based): chr1:179,917,678, T>A. VCF-style: chr1-179917678-T-A. GRCh37 (hg19) VCF-style: chr1-179886813-T-A.
Other names: c.1194T>A, p.His398Gln (NM_001267578.2); short protein forms H397Q, H398Q.
Identifiers: ClinVar variation 3390378 (VCV003390378.1).

ClinVar aggregate classification (germline): Uncertain significance (1 of 4 stars; one submission).

gnomAD v4.1: 3 of 1,614,240 alleles (0.00019%); highest among the groups gnomAD compares: Non-Finnish European, 0.00017%; no homozygotes.

Submission:

GeneDx
Classification: Uncertain significance. Last evaluated: 2024-06-16. Review status: criteria provided, single submitter. Criteria: GeneDx Variant Classification Process June 2021. Collection method: clinical testing. Allele origin: germline. Affected: yes.
Comment: Not observed at significant frequency in large population cohorts (gnomAD); In silico analysis supports that this missense variant has a deleterious effect on protein structure/function; Has not been previously published as pathogenic or benign to our knowledge